The following is an entry in ClinVar:

NM_001384474.1(LOXHD1):c.1236T>G (p.Tyr412Ter)

Gene: LOXHD1 (lipoxygenase homology PLAT domains 1; minus strand). Cytogenetic location: 18q21.1.
Variant type: single nucleotide variant.
Coding change: c.1236T>G on transcript NM_001384474.1 (MANE Select); coding-DNA position 1236, T replaced by G.
Protein change: p.Tyr412Ter; replaces tyrosine 412 with a stop codon.
Molecular consequence: nonsense.
Genome position (GRCh38, 1-based): chr18:46,594,365, A>C on the plus strand (T>G on the coding strand, the complement: LOXHD1 is on the minus strand). VCF-style: chr18-46594365-A-C. GRCh37 (hg19) VCF-style: chr18-44174328-A-C.
Other names: c.1236T>G, p.Tyr412Ter (NM_144612.7); short protein forms Y412*.
Identifiers: ClinVar variation 1458967 (VCV001458967.6), dbSNP rs1203046811, ClinGen allele CA402380995.
Genomic context (GRCh38, chr18:46,594,365, plus strand): 5'-CCAGGTTCTGGGTCTCTCTCACTTACTTTTCAGCCGCTTCTTCCTGAGAGACACCATCTC[A>C]TAGAGCTGCCTCTCAATCAACCCATCCGCTTTCTTCTCATCCAGCCAGTTGCTACAAGGG-3'

ClinVar aggregate classification (germline): Pathogenic (1 of 4 stars; one submission).

Submission:

Labcorp Genetics (formerly Invitae), Labcorp
Classification: Pathogenic. Last evaluated: 2021-02-05. Review status: criteria provided, single submitter. Criteria: Invitae Variant Classification Sherloc (09022015). Collection method: clinical testing. Allele origin: germline.
Comment: This sequence change creates a premature translational stop signal (p.Tyr412*) in the LOXHD1 gene. It is expected to result in an absent or disrupted protein product. Loss-of-function variants in LOXHD1 are known to be pathogenic (PMID: 19732867, 21465660, 25792669). This variant is not present in population databases (ExAC no frequency). For these reasons, this variant has been classified as Pathogenic. This variant has not been reported in the literature in individuals with LOXHD1-related conditions.

Literature cited by the submitters: PubMed 19732867; PubMed 21465660; PubMed 25792669.